The following is an entry in ClinVar:

NM_007294.4(BRCA1):c.80+1256C>T

Gene: BRCA1 (BRCA1 DNA repair associated; minus strand). Cytogenetic location: 17q21.31.
Variant type: single nucleotide variant.
Coding change: c.80+1256C>T on transcript NM_007294.4 (MANE Select); 1256 bases into the intron after coding-DNA position 80, C replaced by T.
Molecular consequence: intron variant.
Genome position (GRCh38, 1-based): chr17:43,122,761, G>A on the plus strand (C>T on the coding strand, the complement: BRCA1 is on the minus strand). VCF-style: chr17-43122761-G-A. GRCh37 (hg19) VCF-style: chr17-41274778-G-A.
Other names: IVS 2+1256C>T; c.-109+2516C>T (NM_001407885.1); c.-62+2516C>T (NM_001408470.1, NM_001407848.1, NM_001407839.1 and 6 more transcripts); c.-178+2516C>T (NM_001407746.1); c.-8+1256C>T (NM_001408461.1, NM_001407738.1, NM_001407932.1 and 23 more transcripts); c.-109+1256C>T (NM_001407886.1, NM_001408509.1, NM_001408508.1 and 46 more transcripts); c.80+1256C>T (NM_001407686.1, NM_001408397.1, NM_001407632.1 and 192 more transcripts); c.-55+1256C>T (NM_001407898.1, NM_001407881.1, NM_001407902.1); and 24 more.
Identifiers: ClinVar variation 209565 (VCV000209565.2), dbSNP rs8176086, ClinGen allele CA276534.

ClinVar aggregate classification (germline): Benign (3 of 4 stars; one submission).

Conditions:
Breast-ovarian cancer, familial, susceptibility to, 1 (BROVCA1). Also called: BRCA1 Hereditary Breast and Ovarian Cancer; OVARIAN CANCER, SUSCEPTIBILITY TO. Identifiers: Orphanet 145, MedGen C2676676, MONDO:0011450, OMIM 604370. Disease mechanism: loss of function.

Allele frequency attached by ClinVar (database versions not stated): TOPMed 0.30262; gnomAD 0.30905 and 0.31646; 1000 Genomes Project 30x 0.34806; 1000 Genomes Project 0.35363.
gnomAD v4.1: 47,967 of 151,526 alleles (32%); highest among the groups gnomAD compares: South Asian, 49%; 7,916 homozygotes.

Submission:

Evidence-based Network for the Interpretation of Germline Mutant Alleles (ENIGMA)
Classification: Benign for Breast-ovarian cancer, familial 1. Last evaluated: 2015-01-12. Review status: reviewed by expert panel. Criteria: ENIGMA BRCA1/2 Classification Criteria (2015). Collection method: curation. Allele origin: germline.
Comment: Class 1 not pathogenic based on frequency >1% in an outbred sampleset. Frequency 0.3304 (Asian), 0.2154 (African), 0.3602 (European), derived from 1000 genomes (2012-04-30).